The following is an entry in ClinVar:

ClinVar aggregate classification (germline): Conflicting classifications of pathogenicity. Review status: criteria provided, conflicting classifications (1 of 4 stars). 4 submissions from 4 submitters: Likely pathogenic (2); Uncertain significance (2). Last evaluated 2026-01-22.

Conditions:
Neurofibromatosis, type 1 (NF1). Also called: Neurofibromatosis, type I; VON RECKLINGHAUSEN DISEASE; Peripheral type neurofibromatosis; NEUROFIBROMATOSIS, TYPE I, SOMATIC. Identifiers: Orphanet 636, MedGen C0027831, MONDO:0018975, OMIM 162200. Disease mechanism: loss of function.
NF1-related disorder. Also called: NF1-related condition. Identifiers: MedGen CN379171.
Hereditary cancer-predisposing syndrome. Also called: Hereditary neoplastic syndrome; Hereditary Cancer Syndrome; Neoplastic Syndromes, Hereditary; Tumor predisposition. Identifiers: Orphanet 140162, MedGen C0027672, MeSH D009386, MONDO:0015356.
Cardiovascular phenotype. Identifiers: MedGen CN230736.

Submissions (4):

Labcorp Genetics (formerly Invitae), Labcorp
Classification: Likely pathogenic for Neurofibromatosis, type 1. Last evaluated: 2026-01-22. Review status: criteria provided, single submitter. Criteria: Invitae Variant Classification Sherloc (09022015). Collection method: clinical testing. Allele origin: germline.
Comment: This sequence change replaces lysine, which is basic and polar, with glutamic acid, which is acidic and polar, at codon 1728 of the NF1 protein (p.Lys1728Glu). This variant is not present in population databases (gnomAD no frequency). This variant has not been reported in the literature in individuals affected with NF1-related conditions. Invitae Evidence Modeling of clinical and family history, age, sex, and reported ancestry of multiple individuals with this NF1 variant has been performed. This variant is expected to be pathogenic with a positive predictive value of at least 99%. This is a validated machine learning model that incorporates the clinical features of 1,785,918 individuals referred to our laboratory for NF1 testing. ClinVar contains an entry for this variant (Variation ID: 944691). Invitae Evidence Modeling of protein sequence and biophysical properties (such as structural, functional, and spatial information, amino acid conservation, physicochemical variation, residue mobility, and thermodynamic stability) indicates that this missense variant is not expected to disrupt NF1 protein function with a negative predictive value of 95%. In summary, the currently available evidence indicates that the variant is pathogenic, but additional data are needed to prove that conclusively. Therefore, this variant has been classified as Likely Pathogenic.

Blueprint Genetics
Classification: Likely pathogenic for NF1-related disorders. Last evaluated: 2024-03-01. Review status: criteria provided, single submitter. Criteria: ACMG Guidelines, 2015. Collection method: clinical testing. Allele origin: germline. Affected: yes. Observed: 1 variant allele.

GeneDx
Classification: Uncertain significance. Last evaluated: 2022-12-01. Review status: criteria provided, single submitter. Criteria: GeneDx Variant Classification Process June 2021. Collection method: clinical testing. Allele origin: germline. Affected: yes.
Comment: Has not been previously published as pathogenic or benign to our knowledge; Not observed at significant frequency in large population cohorts (gnomAD); In silico analysis supports that this missense variant has a deleterious effect on protein structure/function

Ambry Genetics
Classification: Uncertain significance for Cardiovascular phenotype; Hereditary cancer-predisposing syndrome. Last evaluated: 2022-01-10. Review status: criteria provided, single submitter. Criteria: Ambry Variant Classification Scheme 2023. Collection method: clinical testing. Allele origin: germline.
Comment: The p.K1728E variant (also known as c.5182A>G), located in coding exon 36 of the NF1 gene, results from an A to G substitution at nucleotide position 5182. The lysine at codon 1728 is replaced by glutamic acid, an amino acid with similar properties. This amino acid position is conserved. In addition, this alteration is predicted to be tolerated by in silico analysis. Since supporting evidence is limited at this time, the clinical significance of this alteration remains unclear.

NM_001042492.3(NF1):c.5245A>G (p.Lys1749Glu)

Gene: NF1 (neurofibromin 1; plus strand). Cytogenetic location: 17q11.2.
Variant type: single nucleotide variant.
Coding change: c.5245A>G on transcript NM_001042492.3 (MANE Select); coding-DNA position 5245, A replaced by G.
Protein change: p.Lys1749Glu; replaces lysine 1749 with glutamic acid.
Molecular consequence: missense variant.
Genome position (GRCh38, 1-based): chr17:31,326,229, A>G. VCF-style: chr17-31326229-A-G. GRCh37 (hg19) VCF-style: chr17-29653247-A-G.
Other names: c.5182A>G, p.Lys1728Glu (NM_000267.4); short protein forms K1728E, K1749E.
Identifiers: ClinVar variation 944691 (VCV000944691.11), dbSNP rs2069338050, ClinGen allele CA399008325.